The following is an entry in ClinVar:

ClinVar aggregate classification (germline): Uncertain significance (1 of 4 stars; one submission).

Submission:

GeneDx
Classification: Uncertain significance. Last evaluated: 2026-10-23. Review status: criteria provided, single submitter. Criteria: GeneDx Variant Classification Process June 2021. Collection method: clinical testing. Allele origin: germline.
Comment: Not observed at significant frequency in large population cohorts (gnomAD); In silico analysis suggests that this missense variant does not alter protein structure/function; Has not been previously published as pathogenic or benign to our knowledge

NM_001470.4(GABBR1):c.1913C>T (p.Ser638Leu)

Gene: GABBR1 (gamma-aminobutyric acid type B receptor subunit 1; minus strand). Cytogenetic location: 6p22.1.
Variant type: single nucleotide variant.
Coding change: c.1913C>T on transcript NM_001470.4 (MANE Select); coding-DNA position 1913, C replaced by T.
Protein change: p.Ser638Leu; replaces serine 638 with leucine.
Molecular consequence: missense variant.
Genome position (GRCh38, 1-based): chr6:29,608,680, G>A on the plus strand (C>T on the coding strand, the complement: GABBR1 is on the minus strand). VCF-style: chr6-29608680-G-A. GRCh37 (hg19) VCF-style: chr6-29576457-G-A.
Other names: c.1382C>T, p.Ser461Leu (NM_001319053.2); c.1562C>T, p.Ser521Leu (NM_021903.3); c.1727C>T, p.Ser576Leu (NM_021904.4); short protein forms S461L, S521L, S576L, S638L.
Identifiers: ClinVar variation 4540365 (VCV004540365.2).